The following is an entry in ClinVar:

ClinVar aggregate classification (germline): Uncertain significance (1 of 4 stars; one submission).

Allele frequency attached by ClinVar (database versions not stated): TOPMed below 0.00001.

Submission:

Labcorp Genetics (formerly Invitae), Labcorp
Classification: Uncertain significance. Last evaluated: 2022-11-18. Review status: criteria provided, single submitter. Criteria: Invitae Variant Classification Sherloc (09022015). Collection method: clinical testing. Allele origin: germline.
Comment: In summary, the available evidence is currently insufficient to determine the role of this variant in disease. Therefore, it has been classified as a Variant of Uncertain Significance. Algorithms developed to predict the effect of missense changes on protein structure and function are either unavailable or do not agree on the potential impact of this missense change (SIFT: "Tolerated"; PolyPhen-2: "Not Available"; Align-GVGD: "Class C0"). This variant has not been reported in the literature in individuals affected with GPR88-related conditions. This variant is not present in population databases (gnomAD no frequency). This sequence change replaces proline, which is neutral and non-polar, with threonine, which is neutral and polar, at codon 270 of the GPR88 protein (p.Pro270Thr).

NM_022049.3(GPR88):c.808C>A (p.Pro270Thr)

Gene: GPR88 (G protein-coupled receptor 88; plus strand). Cytogenetic location: 1p21.2.
Variant type: single nucleotide variant.
Coding change: c.808C>A on transcript NM_022049.3 (MANE Select); coding-DNA position 808, C replaced by A.
Protein change: p.Pro270Thr; replaces proline 270 with threonine.
Molecular consequence: missense variant.
Genome position (GRCh38, 1-based): chr1:100,539,774, C>A. VCF-style: chr1-100539774-C-A. GRCh37 (hg19) VCF-style: chr1-101005330-C-A.
Other names: short protein forms P270T.
Identifiers: ClinVar variation 2981966 (VCV002981966.3), dbSNP rs760190434, ClinGen allele CA971124.